The following is an entry in ClinVar:

NM_001166108.2(PALLD):c.2720C>G (p.Pro907Arg)

Genes: CBR4 (carbonyl reductase 4; minus strand), PALLD (palladin, cytoskeletal associated protein; plus strand). Cytogenetic location: 4q32.3.
Variant type: single nucleotide variant.
Coding change: c.2720C>G on transcript NM_001166108.2 (MANE Select); coding-DNA position 2720, C replaced by G.
Protein change: p.Pro907Arg; replaces proline 907 with arginine.
Molecular consequence: missense variant.
Genome position (GRCh38, 1-based): chr4:168,915,897, C>G. VCF-style: chr4-168915897-C-G. GRCh37 (hg19) VCF-style: chr4-169837048-C-G.
Other names: c.1523C>G, p.Pro508Arg (NM_001166109.2); c.1208C>G, p.Pro403Arg (NM_001166110.2); c.548C>G, p.Pro183Arg (NM_001367567.1, NM_001367569.1); c.599C>G, p.Pro200Arg (NM_001367568.1, NM_001367570.1); c.2669C>G, p.Pro890Arg (NM_016081.4); short protein forms P183R, P907R, P508R, P890R, P200R, P403R.
Identifiers: ClinVar variation 3413577 (VCV003413577.1).

ClinVar aggregate classification (germline): Uncertain significance (1 of 4 stars; one submission).

Submission:

Ambry Genetics
Classification: Uncertain significance. Last evaluated: 2024-07-15. Review status: criteria provided, single submitter. Criteria: Ambry Variant Classification Scheme 2023. Collection method: clinical testing. Allele origin: germline.
Comment: The p.P890R variant (also known as c.2669C>G), located in coding exon 15 of the PALLD gene, results from a C to G substitution at nucleotide position 2669. The proline at codon 890 is replaced by arginine, an amino acid with dissimilar properties. This amino acid position is conserved. In addition, the in silico prediction for this alteration is inconclusive. Based on the available evidence, the clinical significance of this variant remains unclear.